The following is an entry in ClinVar:

ClinVar aggregate classification (germline): Conflicting classifications of pathogenicity. Review status: criteria provided, conflicting classifications (1 of 4 stars). 2 submissions from 2 submitters: Uncertain significance (1); Likely benign (1). Last evaluated 2022-04-08.

Conditions:
Neuropathy, hereditary motor and sensory, type 6B (HMSN6B). Also called: Neuropathy, hereditary motor and sensory, type VIB; HMSN VIB; CHARCOT-MARIE-TOOTH DISEASE, TYPE 6B; NEUROPATHY, HEREDITARY MOTOR AND SENSORY, TYPE VIB, WITH OPTIC ATROPHY. Identifiers: MedGen C4225302, MONDO:0014671, OMIM 616505.
Inborn genetic diseases. Identifiers: MedGen C0950123, MeSH D030342.

Allele frequency attached by ClinVar (database versions not stated): TOPMed below 0.00001; gnomAD exomes 0.00002.
gnomAD v4.1: 27 of 1,605,504 alleles (0.0017%); highest among the groups gnomAD compares: Non-Finnish European, 0.0023%; no homozygotes.

Submissions (2):

Labcorp Genetics (formerly Invitae), Labcorp
Classification: Uncertain significance for Neuropathy, hereditary motor and sensory, type 6B. Last evaluated: 2022-04-08. Review status: criteria provided, single submitter. Criteria: Invitae Variant Classification Sherloc (09022015). Collection method: clinical testing. Allele origin: germline.
Comment: This variant is present in population databases (no rsID available, gnomAD 0.002%). In summary, the available evidence is currently insufficient to determine the role of this variant in disease. Therefore, it has been classified as a Variant of Uncertain Significance. Algorithms developed to predict the effect of missense changes on protein structure and function output the following: SIFT: "Tolerated"; PolyPhen-2: "Benign"; Align-GVGD: "Class C0". The serine amino acid residue is found in multiple mammalian species, which suggests that this missense change does not adversely affect protein function. This variant has not been reported in the literature in individuals affected with SLC25A46-related conditions. This sequence change replaces asparagine, which is neutral and polar, with serine, which is neutral and polar, at codon 417 of the SLC25A46 protein (p.Asn417Ser).

Ambry Genetics
Classification: Likely benign for Inborn genetic diseases. Last evaluated: 2022-04-07. Review status: criteria provided, single submitter. Criteria: Ambry Variant Classification Scheme 2023. Collection method: clinical testing. Allele origin: germline.

NM_138773.4(SLC25A46):c.1250A>G (p.Asn417Ser)

Gene: SLC25A46 (solute carrier family 25 member 46; plus strand). Cytogenetic location: 5q22.1.
Variant type: single nucleotide variant.
Coding change: c.1250A>G on transcript NM_138773.4 (MANE Select); coding-DNA position 1250, A replaced by G.
Protein change: p.Asn417Ser; replaces asparagine 417 with serine.
Molecular consequence: missense variant. On other transcripts: non-coding transcript variant (1).
Genome position (GRCh38, 1-based): chr5:110,761,775, A>G. VCF-style: chr5-110761775-A-G. GRCh37 (hg19) VCF-style: chr5-110097475-A-G.
Other names: c.1007A>G, p.Asn336Ser (NM_001303249.3); c.977A>G, p.Asn326Ser (NM_001303250.3); short protein forms N417S, N326S, N336S.
Identifiers: ClinVar variation 1760558 (VCV001760558.7), dbSNP rs908180041, ClinGen allele CA125344945.